The following is an entry in ClinVar:

ClinVar aggregate classification (germline): Uncertain significance (1 of 4 stars; one submission).

Submission:

Labcorp Genetics (formerly Invitae), Labcorp
Classification: Uncertain significance. Last evaluated: 2023-09-08. Review status: criteria provided, single submitter. Criteria: Invitae Variant Classification Sherloc (09022015). Collection method: clinical testing. Allele origin: germline.
Comment: In summary, the available evidence is currently insufficient to determine the role of this variant in disease. Therefore, it has been classified as a Variant of Uncertain Significance. Experimental studies and prediction algorithms are not available or were not evaluated, and the functional significance of this variant is currently unknown. ClinVar contains an entry for this variant (Variation ID: 2100766). This variant has not been reported in the literature in individuals affected with LOX-related conditions. This variant is not present in population databases (gnomAD no frequency). This sequence change results in a frameshift in the LOX gene (p.Ser383Thrfs*45). While this is not anticipated to result in nonsense mediated decay, it is expected to disrupt the last 35 amino acid(s) of the LOX protein and extend the protein by 9 additional amino acid residues.

NM_002317.7(LOX):c.1148del (p.Ser383fs)

Genes: LOX (lysyl oxidase; minus strand), SRFBP1 (serum response factor binding protein 1; plus strand). Cytogenetic location: 5q23.1.
Variant type: Deletion.
Coding change: c.1148del on transcript NM_002317.7 (MANE Select); coding-DNA position 1148, one base deleted (G; older notation c.1148delG).
Protein change: p.Ser383fs; shifts the reading frame from serine 383.
Molecular consequence: frameshift variant.
Genome position (GRCh38, 1-based): chr5:122,070,152, C deleted on the plus strand (G on the coding strand, the reverse complement: LOX is on the minus strand). VCF-style (leftmost placement, unchanged base first): chr5-122070151-GC-G. GRCh37 (hg19) VCF-style: chr5-121405846-GC-G.
Other names: c.458del, p.Ser153fs (NM_001178102.2); c.257del, p.Ser86fs (NM_001317073.1); short protein forms S153fs, S383fs, S86fs.
Identifiers: ClinVar variation 2100766 (VCV002100766.4), dbSNP rs2532901204, ClinGen allele CA2580072418.